The following is an entry in ClinVar:

NM_001363540.2(DOCK4):c.5228C>T (p.Ser1743Leu)

Gene: DOCK4 (dedicator of cytokinesis 4; minus strand). Cytogenetic location: 7q31.1.
Variant type: single nucleotide variant.
Coding change: c.5228C>T on transcript NM_001363540.2 (MANE Select); coding-DNA position 5228, C replaced by T.
Protein change: p.Ser1743Leu; replaces serine 1743 with leucine.
Molecular consequence: missense variant.
Genome position (GRCh38, 1-based): chr7:111,739,138, G>A on the plus strand (C>T on the coding strand, the complement: DOCK4 is on the minus strand). VCF-style: chr7-111739138-G-A. GRCh37 (hg19) VCF-style: chr7-111379194-G-A.
Other names: c.5201C>T, p.Ser1734Leu (NM_014705.4); short protein forms S1734L, S1743L.
Identifiers: ClinVar variation 4821579 (VCV004821579.4).

ClinVar aggregate classification (germline): Likely benign (1 of 4 stars; one submission).

gnomAD v4.1: 21 of 1,612,708 alleles (0.0013%); highest among the groups gnomAD compares: Middle Eastern, 0.016%; no homozygotes.

Submission:

CeGaT Center for Human Genetics Tuebingen
Classification: Likely benign. Last evaluated: 2026-03-01. Review status: criteria provided, single submitter. Criteria: CeGaT Center For Human Genetics Tuebingen Variant Classification Criteria Version 2. Collection method: clinical testing. Allele origin: germline. Affected: yes. Observed: 1 variant allele.
Comment: DOCK4: BP4